The following is an entry in ClinVar:

ClinVar aggregate classification (germline): Uncertain significance (1 of 4 stars; one submission).

Submission:

Labcorp Genetics (formerly Invitae), Labcorp
Classification: Uncertain significance. Last evaluated: 2022-10-19. Review status: criteria provided, single submitter. Criteria: Invitae Variant Classification Sherloc (09022015). Collection method: clinical testing. Allele origin: germline.
Comment: This sequence change replaces threonine, which is neutral and polar, with isoleucine, which is neutral and non-polar, at codon 718 of the MKL1 protein (p.Thr718Ile). This variant is not present in population databases (gnomAD no frequency). This variant has not been reported in the literature in individuals affected with MKL1-related conditions. Algorithms developed to predict the effect of missense changes on protein structure and function output the following: SIFT: "Tolerated"; PolyPhen-2: "Benign"; Align-GVGD: "Class C0". The isoleucine amino acid residue is found in multiple mammalian species, which suggests that this missense change does not adversely affect protein function. In summary, the available evidence is currently insufficient to determine the role of this variant in disease. Therefore, it has been classified as a Variant of Uncertain Significance.

NM_020831.6(MRTFA):c.2453C>T (p.Thr818Ile)

Gene: MRTFA (myocardin related transcription factor A; minus strand). Cytogenetic location: 22q13.1.
Variant type: single nucleotide variant.
Coding change: c.2453C>T on transcript NM_020831.6 (MANE Select); coding-DNA position 2453, C replaced by T.
Protein change: p.Thr818Ile; replaces threonine 818 with isoleucine.
Molecular consequence: missense variant.
Genome position (GRCh38, 1-based): chr22:40,417,405, G>A on the plus strand (C>T on the coding strand, the complement: MRTFA is on the minus strand). VCF-style: chr22-40417405-G-A. GRCh37 (hg19) VCF-style: chr22-40813409-G-A.
Other names: c.2153C>T, p.Thr718Ile (NM_001282660.2); c.2303C>T, p.Thr768Ile (NM_001282661.3); c.2453C>T, p.Thr818Ile (NM_001282662.3); c.2258C>T, p.Thr753Ile (NM_001318139.2); short protein forms T718I, T753I, T768I, T818I.
Identifiers: ClinVar variation 2036026 (VCV002036026.4), dbSNP rs2517806200, ClinGen allele CA411656005.